The following is an entry in ClinVar:

NM_000719.7(CACNA1C):c.4202C>G (p.Thr1401Ser)

Gene: CACNA1C (calcium voltage-gated channel subunit alpha1 C; plus strand). Cytogenetic location: 12p13.33.
Variant type: single nucleotide variant.
Coding change: c.4202C>G on transcript NM_000719.7 (MANE Select); coding-DNA position 4202, C replaced by G.
Protein change: p.Thr1401Ser; replaces threonine 1401 with serine.
Molecular consequence: missense variant.
Genome position (GRCh38, 1-based): chr12:2,655,208, C>G. VCF-style: chr12-2655208-C-G. GRCh37 (hg19) VCF-style: chr12-2764374-C-G.
Other names: c.4346C>G, p.Thr1449Ser (NM_001129827.2, NM_199460.4); c.4268C>G, p.Thr1423Ser (NM_001129829.2); c.4202C>G, p.Thr1401Ser (NM_001129830.3, NM_001129833.2, NM_001129834.2 and 7 more transcripts); c.4286C>G, p.Thr1429Ser (NM_001129831.2); c.4262C>G, p.Thr1421Ser (NM_001129832.2); c.4253C>G, p.Thr1418Ser (NM_001129836.2); c.4169C>G, p.Thr1390Ser (NM_001129837.2, NM_001129838.2, NM_001129846.2 and 1 more transcripts); c.4163C>G, p.Thr1388Ser (NM_001129839.2); and 1 more; short protein forms T1429S, T1401S, T1418S, T1421S, T1423S, T1449S, T1398S, T1388S.
Identifiers: ClinVar variation 1465755 (VCV001465755.8), dbSNP rs2153668947, ClinGen allele CA383374595.

ClinVar aggregate classification (germline): Uncertain significance (1 of 4 stars; one submission).

Conditions:
Long QT syndrome (LQTS). Identifiers: MedGen C0023976, MeSH D008133, MONDO:0002442. Disease mechanism: loss of function. Inheritance: Various modes of inheritance.

Submission:

Labcorp Genetics (formerly Invitae), Labcorp
Classification: Uncertain significance for Long QT syndrome. Last evaluated: 2021-05-08. Review status: criteria provided, single submitter. Criteria: Invitae Variant Classification Sherloc (09022015). Collection method: clinical testing. Allele origin: germline.
Comment: In summary, the available evidence is currently insufficient to determine the role of this variant in disease. Therefore, it has been classified as a Variant of Uncertain Significance. Algorithms developed to predict the effect of missense changes on protein structure and function are either unavailable or do not agree on the potential impact of this missense change (SIFT: "Tolerated"; PolyPhen-2: "Probably Damaging"; Align-GVGD: "Class C0"). This variant has not been reported in the literature in individuals with CACNA1C-related conditions. This variant is not present in population databases (ExAC no frequency). This sequence change replaces threonine with serine at codon 1401 of the CACNA1C protein (p.Thr1401Ser). The threonine residue is highly conserved and there is a small physicochemical difference between threonine and serine.